The following is an entry in ClinVar:

NM_020647.4(JPH1):c.491C>T (p.Ala164Val)

Gene: JPH1 (junctophilin 1; minus strand). Cytogenetic location: 8q21.11.
Variant type: single nucleotide variant.
Coding change: c.491C>T on transcript NM_020647.4 (MANE Select); coding-DNA position 491, C replaced by T.
Protein change: p.Ala164Val; replaces alanine 164 with valine.
Molecular consequence: missense variant.
Genome position (GRCh38, 1-based): chr8:74,315,509, G>A on the plus strand (C>T on the coding strand, the complement: JPH1 is on the minus strand). VCF-style: chr8-74315509-G-A. GRCh37 (hg19) VCF-style: chr8-75227744-G-A.
Other names: c.491C>T, p.Ala164Val (NM_001317830.2, NM_001363050.1, NM_001363051.1); short protein forms A164V.
Identifiers: ClinVar variation 1049629 (VCV001049629.1), dbSNP rs1808129380, ClinGen allele CA371494812.

ClinVar aggregate classification (germline): Uncertain significance (0 of 4 stars; one submission).

Submission:

Department of Pathology and Laboratory Medicine, Sinai Health System
Classification: Uncertain significance. Review status: no assertion criteria provided. Collection method: clinical testing. Allele origin: unknown. Affected: yes. Study: The Canadian Open Genetics Repository (COGR).
Comment: The JPH1 p.Ala164Val variant was not identified in the literature nor was it identified in dbSNP, ClinVar or in the following control databases: the 1000 Genomes Project, the NHLBI GO Exome Sequencing Project, or the Genome Aggregation Database (March 6, 2019, v2.1.1). The p.Ala164 residue is conserved in mammals but not in more distantly related organisms and computational analyses (PolyPhen-2, SIFT, AlignGVGD, BLOSUM, MutationTaster) provide inconsistent predictions regarding the impact to the protein; this information is not very predictive of pathogenicity. The variant occurs outside of the splicing consensus sequence and in silico or computational prediction software programs (SpliceSiteFinder, MaxEntScan, NNSPLICE, GeneSplicer) do not predict a difference in splicing. In summary, based on the above information the clinical significance of this variant cannot be determined with certainty at this time. This variant is classified as a variant of uncertain significance.